The following is an entry in ClinVar:

ClinVar aggregate classification (germline): Likely benign. Review status: criteria provided, multiple submitters, no conflicts (2 of 4 stars). 2 submissions from 2 submitters: Likely benign (2). Last evaluated 2022-09-07.

Conditions:
Familial benign pemphigus (HHD). Identifiers: Orphanet 2841, MedGen C0085106, MONDO:0008218, OMIM 169600.

Allele frequency attached by ClinVar (database versions not stated): ExAC 0.00004; gnomAD exomes 0.00006; ESP Exome Variant Server 0.00008; gnomAD 0.00016; TOPMed 0.00018; 1000 Genomes Project 30x 0.00031; 1000 Genomes Project 0.00040.
gnomAD v4.1: 80 of 1,613,642 alleles (0.005%); highest among the groups gnomAD compares: African/African-American, 0.052%; no homozygotes.

Submissions (2):

Labcorp Genetics (formerly Invitae), Labcorp
Classification: Likely benign. Last evaluated: 2022-09-07. Review status: criteria provided, single submitter. Criteria: Invitae Variant Classification Sherloc (09022015). Collection method: clinical testing. Allele origin: germline.

Illumina Laboratory Services, Illumina
Classification: Likely benign for Familial benign pemphigus. Last evaluated: 2018-01-12. Review status: criteria provided, single submitter. Criteria: ICSL Variant Classification Criteria 13 December 2019. Collection method: clinical testing. Allele origin: germline.
Comment: This variant was observed in the ICSL laboratory as part of a predisposition screen in an ostensibly healthy population. It had not been previously curated by ICSL or reported in the Human Gene Mutation Database (HGMD: prior to June 1st, 2018), and was therefore a candidate for classification through an automated scoring system. Utilizing variant allele frequency, disease prevalence and penetrance estimates, and inheritance mode, an automated score was calculated to assess if this variant is too frequent to cause the disease. Based on the score and internal cut-off values, a variant classified as likely benign is not then subjected to further curation. The score for this variant resulted in a classification of likely benign for this disease.

NM_001378687.1(ATP2C1):c.1146A>G (p.Gln382=)

Gene: ATP2C1 (ATPase secretory pathway Ca2+ transporting 1; plus strand). Cytogenetic location: 3q22.1.
Variant type: single nucleotide variant.
Coding change: c.1146A>G on transcript NM_001378687.1 (MANE Select); coding-DNA position 1146, A replaced by G.
Protein change: p.Gln382=; no amino-acid change (glutamine 382 retained).
Molecular consequence: synonymous variant.
Genome position (GRCh38, 1-based): chr3:130,967,168, A>G. VCF-style: chr3-130967168-A-G. GRCh37 (hg19) VCF-style: chr3-130686012-A-G.
Other names: c.1248A>G, p.Gln416= (NM_001199180.2, NM_001199181.3, NM_001378511.1); c.1131A>G, p.Gln377= (NM_001199182.2); c.1098A>G, p.Gln366= (NM_001199183.2, NM_001199184.3, NM_001378514.1); c.1146A>G, p.Gln382= (NM_001199185.2, NM_001378512.1, NM_001378513.1 and 5 more transcripts).
Identifiers: ClinVar variation 900773 (VCV000900773.8), dbSNP rs141822193, ClinGen allele CA2615039.
Genomic context (GRCh38, chr3:130,967,168, plus strand): 5'-AGTGTTTGTATTATTGATCCCACTTTGTGATCTTTAGGTTACTGGAGTTGGCTATAATCA[A>G]TTTGGGGAAGTGATTGTTGATGGTGATGTTGTTCATGGATTCTATAACCCAGCTGTTAGC-3'
Protein context (NP_001365616.1, residues 372-392): HAEVTGVGYN[Gln382=]FGEVIVDGDV